The following is an entry in ClinVar:

NM_001378156.1(C1QB):c.745A>G (p.Met249Val)

Gene: C1QB (complement C1q B chain; plus strand). Cytogenetic location: 1p36.12.
Variant type: single nucleotide variant.
Coding change: c.745A>G on transcript NM_001378156.1 (MANE Select); coding-DNA position 745, A replaced by G.
Protein change: p.Met249Val; replaces methionine 249 with valine.
Molecular consequence: missense variant.
Genome position (GRCh38, 1-based): chr1:22,661,375, A>G. VCF-style: chr1-22661375-A-G. GRCh37 (hg19) VCF-style: chr1-22987868-A-G.
Other names: c.751A>G, p.Met251Val (NM_000491.5); c.745A>G, p.Met249Val (NM_001371184.3); short protein forms M249V, M251V.
Identifiers: ClinVar variation 2042173 (VCV002042173.4), dbSNP rs1004933250, ClinGen allele CA19188574.

ClinVar aggregate classification (germline): Uncertain significance (1 of 4 stars; one submission).

Allele frequency attached by ClinVar (database versions not stated): gnomAD exomes below 0.00001; TOPMed below 0.00001.

Submission:

Labcorp Genetics (formerly Invitae), Labcorp
Classification: Uncertain significance. Last evaluated: 2021-12-13. Review status: criteria provided, single submitter. Criteria: Invitae Variant Classification Sherloc (09022015). Collection method: clinical testing. Allele origin: germline.
Comment: In summary, the available evidence is currently insufficient to determine the role of this variant in disease. Therefore, it has been classified as a Variant of Uncertain Significance. Algorithms developed to predict the effect of missense changes on protein structure and function output the following: SIFT: "Tolerated"; PolyPhen-2: "Benign"; Align-GVGD: "Class C0". The valine amino acid residue is found in multiple mammalian species, which suggests that this missense change does not adversely affect protein function. This variant has not been reported in the literature in individuals affected with C1QB-related conditions. This variant is not present in population databases (gnomAD no frequency). This sequence change replaces methionine, which is neutral and non-polar, with valine, which is neutral and non-polar, at codon 251 of the C1QB protein (p.Met251Val).